The following is an entry in ClinVar:

ClinVar aggregate classification (germline): Conflicting classifications of pathogenicity. Review status: criteria provided, conflicting classifications (1 of 4 stars). 6 submissions from 6 submitters: Uncertain significance (1); Likely benign (3). 2 of the submissions do not count toward it. Last evaluated 2026-06-01.

Conditions:
IRF3-related disorder. Also called: IRF3-related condition.
Encephalopathy, acute, infection-induced (herpes-specific), susceptibility to, 7 (IIAE7). Identifiers: Orphanet 1930, MedGen C4225294, MONDO:0014680, OMIM 616532.

Allele frequency attached by ClinVar (database versions not stated): 1000 Genomes Project 0.00300; 1000 Genomes Project 30x 0.00328; ExAC 0.00364; gnomAD exomes 0.00394 and 0.00629; gnomAD 0.00409 and 0.00460; TOPMed 0.00467; ESP Exome Variant Server 0.00492.
gnomAD v4.1: 9,759 of 1,613,680 alleles (0.6%); highest among the groups gnomAD compares: Non-Finnish European, 0.74%; 39 homozygotes.

Submissions (6):

CeGaT Center for Human Genetics Tuebingen
Classification: Likely benign. Last evaluated: 2026-06-01. Review status: criteria provided, single submitter. Criteria: CeGaT Center For Human Genetics Tuebingen Variant Classification Criteria Version 2. Collection method: clinical testing. Allele origin: germline. Affected: yes. Observed: 2 variant alleles.
Comment: IRF3: BS1

Department of Pathology and Laboratory Medicine, Sinai Health System
Classification: Uncertain significance for Encephalopathy, acute, infection-induced (herpes-specific), susceptibility to, 7. Last evaluated: 2021-09-25. Review status: criteria provided, single submitter. Criteria: ACMG Guidelines, 2015. Collection method: research. Allele origin: germline.

Labcorp Genetics (formerly Invitae), Labcorp
Classification: Likely benign. Last evaluated: 2019-12-31. Review status: criteria provided, single submitter. Criteria: Invitae Variant Classification Sherloc (09022015). Collection method: clinical testing. Allele origin: germline.

Breakthrough Genomics
Classification: Likely benign. Review status: criteria provided, single submitter. Criteria: ACMG Guidelines, 2015. Collection method: not provided. Allele origin: germline. Inheritance: Autosomal dominant inheritance. Affected: yes.

PreventionGenetics, part of Exact Sciences
Classification: Likely benign for IRF3-related condition. Last evaluated: 2020-03-16. Review status: no assertion criteria provided. Collection method: clinical testing. Allele origin: germline. Not counted in ClinVar's aggregate classification.
Comment: This variant is classified as likely benign based on ACMG/AMP sequence variant interpretation guidelines (Richards et al. 2015 PMID: 25741868, with internal and published modifications).

OMIM
Classification: risk factor for ENCEPHALOPATHY, ACUTE, INFECTION-INDUCED (HERPES-SPECIFIC), SUSCEPTIBILITY TO, 7. Last evaluated: 2018-03-14. Review status: no assertion criteria provided. Collection method: literature only. Allele origin: germline. Not counted in ClinVar's aggregate classification.

Literature cited by the submitters: PubMed 26513235 (cited by OMIM).

NM_001571.6(IRF3):c.829G>A (p.Ala277Thr)

Gene: IRF3 (interferon regulatory factor 3; minus strand). Cytogenetic location: 19q13.33.
Variant type: single nucleotide variant.
Coding change: c.829G>A on transcript NM_001571.6 (MANE Select); coding-DNA position 829, G replaced by A.
Protein change: p.Ala277Thr; replaces alanine 277 with threonine.
Molecular consequence: missense variant. On other transcripts: non-coding transcript variant (1), intron variant (3).
Genome position (GRCh38, 1-based): chr19:49,662,101, C>T on the plus strand (G>A on the coding strand, the complement: IRF3 is on the minus strand). VCF-style: chr19-49662101-C-T. GRCh37 (hg19) VCF-style: chr19-50165358-C-T.
Other names: c.829G>A, p.Ala277Thr (NM_001197122.2); c.724G>A, p.Ala242Thr (NM_001197123.2); c.391G>A, p.Ala131Thr (NM_001197125.2, NM_001197126.2); c.163+324G>A (NM_001197128.2, NM_001197127.2); c.601+324G>A (NM_001197124.2); short protein forms A277T, A131T, A242T.
Identifiers: ClinVar variation 495307 (VCV000495307.30), dbSNP rs143769046, ClinGen allele CA9580328.